The following is an entry in ClinVar:

NM_004484.4(GPC3):c.644T>C (p.Ile215Thr)

Gene: GPC3 (glypican 3; minus strand). Cytogenetic location: Xq26.2.
Variant type: single nucleotide variant.
Coding change: c.644T>C on transcript NM_004484.4 (MANE Select); coding-DNA position 644, T replaced by C.
Protein change: p.Ile215Thr; replaces isoleucine 215 with threonine.
Molecular consequence: missense variant.
Genome position (GRCh38, 1-based): chrX:133,753,870, A>G on the plus strand (T>C on the coding strand, the complement: GPC3 is on the minus strand). VCF-style: chrX-133753870-A-G. GRCh37 (hg19) VCF-style: chrX-132887897-A-G.
Other names: c.644T>C, p.Ile215Thr (NM_001164617.2); c.596T>C, p.Ile199Thr (NM_001164618.2); c.482T>C, p.Ile161Thr (NM_001164619.2); short protein forms I215T, I161T, I199T.
Identifiers: ClinVar variation 1938676 (VCV001938676.5), dbSNP rs2071696690, ClinGen allele CA414706172.

ClinVar aggregate classification (germline): Uncertain significance (1 of 4 stars; one submission).

Conditions:
Wilms tumor 1 (WT1). Also called: Wilms tumor, somatic. Identifiers: Orphanet 654, MedGen CN033288, MONDO:0008679, OMIM 194070.

Allele frequency attached by ClinVar (database versions not stated): TOPMed 0.00001.

Submission:

Labcorp Genetics (formerly Invitae), Labcorp
Classification: Uncertain significance for Wilms tumor 1. Last evaluated: 2023-03-08. Review status: criteria provided, single submitter. Criteria: Invitae Variant Classification Sherloc (09022015). Collection method: clinical testing. Allele origin: germline.
Comment: This sequence change replaces isoleucine, which is neutral and non-polar, with threonine, which is neutral and polar, at codon 215 of the GPC3 protein (p.Ile215Thr). This variant is not present in population databases (gnomAD no frequency). This variant has not been reported in the literature in individuals affected with GPC3-related conditions. ClinVar contains an entry for this variant (Variation ID: 1938676). Advanced modeling of protein sequence and biophysical properties (such as structural, functional, and spatial information, amino acid conservation, physicochemical variation, residue mobility, and thermodynamic stability) performed at Invitae indicates that this missense variant is not expected to disrupt GPC3 protein function. In summary, the available evidence is currently insufficient to determine the role of this variant in disease. Therefore, it has been classified as a Variant of Uncertain Significance.